The following is an entry in ClinVar:

NM_000038.6(APC):c.3881A>C (p.Gln1294Pro)

Gene: APC (APC regulator of Wnt signaling pathway; plus strand). Cytogenetic location: 5q22.2.
Variant type: single nucleotide variant.
Coding change: c.3881A>C on transcript NM_000038.6 (MANE Select); coding-DNA position 3881, A replaced by C.
Protein change: p.Gln1294Pro; replaces glutamine 1294 with proline.
Molecular consequence: missense variant.
Genome position (GRCh38, 1-based): chr5:112,839,475, A>C. VCF-style: chr5-112839475-A-C. GRCh37 (hg19) VCF-style: chr5-112175172-A-C.
Other names: c.3881A>C, p.Gln1294Pro (NM_001127510.3, NM_001354895.2); c.3827A>C, p.Gln1276Pro (NM_001127511.3); c.3935A>C, p.Gln1312Pro (NM_001354896.2); c.3911A>C, p.Gln1304Pro (NM_001354897.2); c.3806A>C, p.Gln1269Pro (NM_001354898.2); c.3797A>C, p.Gln1266Pro (NM_001354899.2); c.3758A>C, p.Gln1253Pro (NM_001354900.2); c.3704A>C, p.Gln1235Pro (NM_001354901.2); and 5 more; short protein forms Q1276P, Q1294P, Q1312P, Q1011P, Q1134P, Q1168P, Q1253P, Q1269P.
Identifiers: ClinVar variation 578219 (VCV000578219.13), dbSNP rs1561588178, ClinGen allele CA16029847.

ClinVar aggregate classification (germline): Uncertain significance. Review status: criteria provided, multiple submitters, no conflicts (2 of 4 stars). 2 submissions from 2 submitters: Uncertain significance (2). Last evaluated 2023-09-20.

Conditions:
Hereditary cancer-predisposing syndrome. Also called: Tumor predisposition; Hereditary neoplastic syndrome; Hereditary Cancer Syndrome; Neoplastic Syndromes, Hereditary. Identifiers: Orphanet 140162, MedGen C0027672, MeSH D009386, MONDO:0015356.
Familial adenomatous polyposis 1 (FAP1). Also called: POLYPOSIS, ADENOMATOUS INTESTINAL; FAMILIAL ADENOMATOUS POLYPOSIS 1, ATTENUATED. Identifiers: MedGen C2713442, MONDO:0021056, OMIM 175100. Disease mechanism: loss of function.

Allele frequency attached by ClinVar (database versions not stated): gnomAD exomes below 0.00001.
gnomAD v4.1: 2 of 1,614,232 alleles (0.00012%); highest among the groups gnomAD compares: East Asian, 0.0045%; no homozygotes.

Submissions (2):

Ambry Genetics
Classification: Uncertain significance for Hereditary cancer-predisposing syndrome. Last evaluated: 2023-09-20. Review status: criteria provided, single submitter. Criteria: Ambry Variant Classification Scheme 2023. Collection method: clinical testing. Allele origin: germline.
Comment: The p.Q1294P variant (also known as c.3881A>C), located in coding exon 15 of the APC gene, results from an A to C substitution at nucleotide position 3881. The glutamine at codon 1294 is replaced by proline, an amino acid with similar properties. This amino acid position is conserved. In addition, in silico predictors for this gene do not accurately predict pathogenicity. Since supporting evidence is limited at this time, the clinical significance of this alteration remains unclear.

Labcorp Genetics (formerly Invitae), Labcorp
Classification: Uncertain significance for Familial adenomatous polyposis 1. Last evaluated: 2019-10-15. Review status: criteria provided, single submitter. Criteria: Invitae Variant Classification Sherloc (09022015). Collection method: clinical testing. Allele origin: germline.
Comment: Algorithms developed to predict the effect of missense changes on protein structure and function (SIFT, PolyPhen-2, Align-GVGD) all suggest that this variant is likely to be tolerated, but these predictions have not been confirmed by published functional studies and their clinical significance is uncertain. In summary, the available evidence is currently insufficient to determine the role of this variant in disease. Therefore, it has been classified as a Variant of Uncertain Significance. This variant has not been reported in the literature in individuals with APC-related disease. This sequence change replaces glutamine with proline at codon 1294 of the APC protein (p.Gln1294Pro). The glutamine residue is moderately conserved and there is a moderate physicochemical difference between glutamine and proline. This variant is not present in population databases (ExAC no frequency).